The following is an entry in ClinVar:

ClinVar aggregate classification (germline): Uncertain significance. Review status: criteria provided, multiple submitters, no conflicts (2 of 4 stars). 6 submissions from 5 submitters: Uncertain significance (5). 1 of the submissions does not count toward it. Last evaluated 2022-09-13.

Conditions:
Seckel syndrome 4 (SCKL4). Identifiers: Orphanet 808, MedGen C3888212, MONDO:0013358, OMIM 613676.
Microcephaly 6, primary, autosomal recessive. Identifiers: Orphanet 2512, MedGen C1842109, MONDO:0012029, OMIM 608393.

Allele frequency attached by ClinVar (database versions not stated): 1000 Genomes Project 30x 0.00016; 1000 Genomes Project 0.00020; gnomAD 0.00032; ESP Exome Variant Server 0.00038; TOPMed 0.00039; gnomAD exomes 0.00046 and 0.00049; ExAC 0.00070.
gnomAD v4.1: 764 of 1,614,194 alleles (0.047%); highest among the groups gnomAD compares: Admixed American, 0.067%; no homozygotes.

Submissions (6):

Labcorp Genetics (formerly Invitae), Labcorp
Classification: Uncertain significance. Last evaluated: 2022-09-13. Review status: criteria provided, single submitter. Criteria: Invitae Variant Classification Sherloc (09022015). Collection method: clinical testing. Allele origin: germline.
Comment: This sequence change replaces threonine, which is neutral and polar, with alanine, which is neutral and non-polar, at codon 97 of the CENPJ protein (p.Thr97Ala). This variant is present in population databases (rs41306027, gnomAD 0.08%), and has an allele count higher than expected for a pathogenic variant. This variant has not been reported in the literature in individuals affected with CENPJ-related conditions. ClinVar contains an entry for this variant (Variation ID: 21663). Algorithms developed to predict the effect of missense changes on protein structure and function output the following: SIFT: "Tolerated"; PolyPhen-2: "Benign"; Align-GVGD: "Class C0". The alanine amino acid residue is found in multiple mammalian species, which suggests that this missense change does not adversely affect protein function. In summary, the available evidence is currently insufficient to determine the role of this variant in disease. Therefore, it has been classified as a Variant of Uncertain Significance.

Fulgent Genetics
Classification: Uncertain significance for Microcephaly 6, primary, autosomal recessive; Seckel syndrome 4. Last evaluated: 2022-01-03. Review status: criteria provided, single submitter. Criteria: ACMG Guidelines, 2015. Collection method: clinical testing. Allele origin: unknown.

Illumina Laboratory Services, Illumina
Classification: Uncertain significance for Seckel syndrome 4. Last evaluated: 2018-01-13. Review status: criteria provided, single submitter. Criteria: ICSL Variant Classification Criteria 13 December 2019. Collection method: clinical testing. Allele origin: germline.

Illumina Laboratory Services, Illumina
Classification: Uncertain significance for Microcephaly 6, primary, autosomal recessive. Last evaluated: 2018-01-13. Review status: criteria provided, single submitter. Criteria: ICSL Variant Classification Criteria 13 December 2019. Collection method: clinical testing. Allele origin: germline.

Genetic Services Laboratory, University of Chicago
Classification: Uncertain significance for Microcephaly 6, primary, autosomal recessive. Last evaluated: 2013-02-08. Review status: criteria provided, single submitter. Criteria: ACMG Guidelines, 2007. Collection method: clinical testing. Allele origin: germline. Inheritance: Autosomal recessive inheritance.

GeneReviews
No classification provided. Condition: Microcephaly 6, primary, autosomal recessive. Review status: no classification provided. Collection method: literature only. Allele origin: unknown. Not counted in ClinVar's aggregate classification.

Literature cited by the submitters: PubMed 20301772 (cited by GeneReviews); NCBI Bookshelf NBK9587 (cited by GeneReviews).

NM_018451.5(CPAP):c.289A>G (p.Thr97Ala)

Gene: CPAP (centrosome assembly and centriole elongation protein; minus strand). Cytogenetic location: 13q12.13.
Variant type: single nucleotide variant.
Coding change: c.289A>G on transcript NM_018451.5 (MANE Select); coding-DNA position 289, A replaced by G.
Protein change: p.Thr97Ala; replaces threonine 97 with alanine.
Molecular consequence: missense variant. On other transcripts: non-coding transcript variant (2).
Genome position (GRCh38, 1-based): chr13:24,912,737, T>C on the plus strand (A>G on the coding strand, the complement: CPAP is on the minus strand). VCF-style: chr13-24912737-T-C. GRCh37 (hg19) VCF-style: chr13-25486875-T-C.
Other names: short protein forms T97A.
Identifiers: ClinVar variation 21663 (VCV000021663.13), dbSNP rs41306027, ClinGen allele CA342344.